The following is an entry in ClinVar:

ClinVar aggregate classification (germline): Uncertain significance. Review status: criteria provided, multiple submitters, no conflicts (2 of 4 stars). 2 submissions from 2 submitters: Uncertain significance (2). Last evaluated 2025-09-07.

Conditions:
Neutral 1 amino acid transport defect (HND). Also called: Hartnup disease; HARTNUP DISORDER. Identifiers: Orphanet 2116, MedGen C0018609, MONDO:0009324, OMIM 234500.
Iminoglycinuria. Identifiers: Orphanet 42062, MedGen C0268654, MONDO:0009448, OMIM 242600.
Hyperglycinuria. Also called: GLYCINURIA WITH OR WITHOUT OXALATE NEPHROLITHIASIS; GLYCINURIA WITH OR WITHOUT OXALATE UROLITHIASIS; IMINOGLYCINURIA TYPE II. Identifiers: MedGen C0543541, MONDO:0007677, OMIM 138500, HP:0003108.

Allele frequency attached by ClinVar (database versions not stated): ESP Exome Variant Server 0.00008.
gnomAD v4.1: 69 of 1,611,848 alleles (0.0043%); highest among the groups gnomAD compares: Middle Eastern, 0.16%; no homozygotes.

Submissions (2):

Labcorp Genetics (formerly Invitae), Labcorp
Classification: Uncertain significance. Last evaluated: 2025-09-07. Review status: criteria provided, single submitter. Criteria: Invitae Variant Classification Sherloc (09022015). Collection method: clinical testing. Allele origin: germline.
Comment: This sequence change replaces threonine, which is neutral and polar, with methionine, which is neutral and non-polar, at codon 256 of the SLC6A19 protein (p.Thr256Met). This variant is present in population databases (rs375879452, gnomAD 0.007%). This variant has not been reported in the literature in individuals affected with SLC6A19-related conditions. ClinVar contains an entry for this variant (Variation ID: 1371534). Invitae Evidence Modeling of protein sequence and biophysical properties (such as structural, functional, and spatial information, amino acid conservation, physicochemical variation, residue mobility, and thermodynamic stability) has been performed for this missense variant. However, the output from this modeling did not meet the statistical confidence thresholds required to predict the impact of this variant on SLC6A19 protein function. In summary, the available evidence is currently insufficient to determine the role of this variant in disease. Therefore, it has been classified as a Variant of Uncertain Significance.

Fulgent Genetics
Classification: Uncertain significance for Hyperglycinuria; Neutral 1 amino acid transport defect; Iminoglycinuria. Last evaluated: 2021-10-25. Review status: criteria provided, single submitter. Criteria: ACMG Guidelines, 2015. Collection method: clinical testing. Allele origin: unknown.

NM_001003841.3(SLC6A19):c.767C>T (p.Thr256Met)

Gene: SLC6A19 (solute carrier family 6 member 19; plus strand). Cytogenetic location: 5p15.33.
Variant type: single nucleotide variant.
Coding change: c.767C>T on transcript NM_001003841.3 (MANE Select); coding-DNA position 767, C replaced by T.
Protein change: p.Thr256Met; replaces threonine 256 with methionine.
Molecular consequence: missense variant.
Genome position (GRCh38, 1-based): chr5:1,213,566, C>T. VCF-style: chr5-1213566-C-T. GRCh37 (hg19) VCF-style: chr5-1213681-C-T.
Other names: short protein forms T256M.
Identifiers: ClinVar variation 1371534 (VCV001371534.5), dbSNP rs375879452, ClinGen allele CA3182856.